The following is an entry in ClinVar:

ClinVar aggregate classification (germline): Likely benign. Review status: criteria provided, multiple submitters, no conflicts (2 of 4 stars). 3 submissions from 3 submitters: Likely benign (3). Last evaluated 2026-03-24.

Conditions:
KMT2D-related disorder. Also called: KMT2D-Related Disorders.
Kabuki syndrome. Also called: NIIKAWA-KUROKI SYNDROME; Kabuki make-up syndrome. Identifiers: Orphanet 2322, MedGen C0796004, MONDO:0016512.

Allele frequency attached by ClinVar (database versions not stated): gnomAD exomes 0.00004 and 0.00008; gnomAD 0.00007; ExAC 0.00012; 1000 Genomes Project 0.00020; 1000 Genomes Project 30x 0.00031.

Submissions (3):

PreventionGenetics, part of Exact Sciences
Classification: Likely benign for KMT2D-related condition. Last evaluated: 2026-03-24. Review status: criteria provided, single submitter. Criteria: ACMG Guidelines, 2015. Collection method: clinical testing. Allele origin: germline.
Comment: This variant is classified as likely benign based on ACMG/AMP sequence variant interpretation guidelines (Richards et al. 2015 PMID: 25741868, with internal and published modifications).

Labcorp Genetics (formerly Invitae), Labcorp
Classification: Likely benign for Kabuki syndrome. Last evaluated: 2025-08-29. Review status: criteria provided, single submitter. Criteria: Invitae Variant Classification Sherloc (09022015). Collection method: clinical testing. Allele origin: germline.

Blueprint Genetics
Classification: Likely benign. Last evaluated: 2022-08-24. Review status: criteria provided, single submitter. Criteria: ACMG Guidelines, 2015. Collection method: clinical testing. Allele origin: germline.

NM_003482.4(KMT2D):c.2340C>T (p.Cys780=)

Gene: KMT2D (lysine methyltransferase 2D; minus strand). Cytogenetic location: 12q13.12.
Variant type: single nucleotide variant.
Coding change: c.2340C>T on transcript NM_003482.4 (MANE Select); coding-DNA position 2340, C replaced by T.
Protein change: p.Cys780=; no amino-acid change (cysteine 780 retained).
Molecular consequence: synonymous variant.
Genome position (GRCh38, 1-based): chr12:49,051,343, G>A on the plus strand (C>T on the coding strand, the complement: KMT2D is on the minus strand). VCF-style: chr12-49051343-G-A. GRCh37 (hg19) VCF-style: chr12-49445126-G-A.
Identifiers: ClinVar variation 463014 (VCV000463014.13), dbSNP rs530563702, ClinGen allele CA6548280.